The following is an entry in ClinVar:

NM_000069.3(CACNA1S):c.707C>T (p.Thr236Met)

Gene: CACNA1S (calcium voltage-gated channel subunit alpha1 S; minus strand). Cytogenetic location: 1q32.1.
Variant type: single nucleotide variant.
Coding change: c.707C>T on transcript NM_000069.3 (MANE Select); coding-DNA position 707, C replaced by T.
Protein change: p.Thr236Met; replaces threonine 236 with methionine.
Molecular consequence: missense variant.
Genome position (GRCh38, 1-based): chr1:201,089,451, G>A on the plus strand (C>T on the coding strand, the complement: CACNA1S is on the minus strand). VCF-style: chr1-201089451-G-A. GRCh37 (hg19) VCF-style: chr1-201058579-G-A.
Other names: c.707C>T (NM_000069.2); short protein forms T236M.
Identifiers: ClinVar variation 1486135 (VCV001486135.11), dbSNP rs767790285, ClinGen allele CA083969.
Genomic context (GRCh38, chr1:201,089,451, plus strand): 5'-ATGGTGCACCGGCGCCCTGAGCCCGTCCTGGCGCAGGGCGATGGCTCTTCATTCTCCACC[G>A]TGGCCACGATATCTGGAGGCAGAAGGCAAAGGGAACATCAGACAACAGTAGTAGGTGGAC-3'
Protein context (NP_000060.2, residues 226-246): CYFIGTDIVA[Thr236Met]VENEEPSPCA

ClinVar aggregate classification (germline): Conflicting classifications of pathogenicity. Review status: criteria provided, conflicting classifications (1 of 4 stars). 5 submissions from 5 submitters: Uncertain significance (4); Likely benign (1). Last evaluated 2025-08-13.

Conditions:
Hypokalemic periodic paralysis, type 1. Also called: Hypokalemic Periodic Paralysis Type 1 (AD); HypoPP. Identifiers: Orphanet 681, MedGen C3714580, MONDO:0042979, OMIM 170400.
Malignant hyperthermia, susceptibility to, 5 (MHS5). Also called: CACNA1S-Related Malignant Hyperthermia Susceptibility. Identifiers: Orphanet 423, MedGen C1866077, MONDO:0011163, OMIM 601887.
Thyrotoxic periodic paralysis, susceptibility to, 1 (TTPP1). Identifiers: Orphanet 79102, MedGen C2749982, MONDO:0008570, OMIM 188580.
Congenital myopathy 18. Also called: DIHYDROPYRIDINE RECEPTOR CONGENITAL MYOPATHY; DHPR CONGENITAL MYOPATHY; Myopathy, congenital, due to dihydropyridine receptor defect. Identifiers: MedGen C5830283, MONDO:0859514, OMIM 620246.
Inborn genetic diseases. Identifiers: MedGen C0950123, MeSH D030342.

Allele frequency attached by ClinVar (database versions not stated): gnomAD 0.00002; ExAC 0.00003; TOPMed 0.00003; gnomAD exomes 0.00004.
gnomAD v4.1: 50 of 1,613,848 alleles (0.0031%); highest among the groups gnomAD compares: Admixed American, 0.017%; no homozygotes.

Submissions (5):

Labcorp Genetics (formerly Invitae), Labcorp
Classification: Likely benign for Hypokalemic periodic paralysis, type 1; Malignant hyperthermia, susceptibility to, 5. Last evaluated: 2025-08-13. Review status: criteria provided, single submitter. Criteria: Invitae Variant Classification Sherloc (09022015). Collection method: clinical testing. Allele origin: germline.

Color Diagnostics, LLC DBA Color Health
Classification: Uncertain significance for Malignant hyperthermia, susceptibility to, 5. Last evaluated: 2025-06-24. Review status: criteria provided, single submitter. Criteria: ACMG Guidelines, 2015. Collection method: clinical testing. Allele origin: germline.
Comment: This missense variant replaces threonine with methionine at codon 236 of the CACNA1S protein. Computational prediction is inconclusive regarding the impact of this variant on protein structure and function. To our knowledge, functional studies have not been reported for this variant. This variant has not been reported in individuals affected with CACNA1S-related disorders in the literature. This variant has been identified in 10/250112 chromosomes in the general population by the Genome Aggregation Database (gnomAD). The available evidence is insufficient to determine the role of this variant in disease conclusively. Therefore, this variant is classified as a Variant of Uncertain Significance.

Ambry Genetics
Classification: Uncertain significance for Inborn genetic diseases. Last evaluated: 2025-03-27. Review status: criteria provided, single submitter. Criteria: Ambry Variant Classification Scheme 2023. Collection method: clinical testing. Allele origin: germline.

Fulgent Genetics
Classification: Uncertain significance for Hypokalemic periodic paralysis, type 1; Thyrotoxic periodic paralysis, susceptibility to, 1; Malignant hyperthermia, susceptibility to, 5; Congenital myopathy 18. Last evaluated: 2024-03-07. Review status: criteria provided, single submitter. Criteria: ACMG Guidelines, 2015. Collection method: clinical testing. Allele origin: germline.

All of Us Research Program, National Institutes of Health
Classification: Uncertain significance for Malignant hyperthermia, susceptibility to, 5. Last evaluated: 2023-11-30. Review status: criteria provided, single submitter. Criteria: ACMG Guidelines, 2015. Collection method: clinical testing. Allele origin: germline. Inheritance: Autosomal dominant inheritance. Observed: 4 variant alleles, 4 heterozygotes.
Comment: This missense variant replaces threonine with methionine at codon 236 of the CACNA1S protein. Computational prediction is inconclusive regarding the impact of this variant on protein structure and function (internally defined REVEL score threshold 0.5 < inconclusive < 0.7, PMID: 27666373). To our knowledge, functional studies have not been reported for this variant. This variant has not been reported in individuals affected with CACNA1S-related disorders in the literature. This variant has been identified in 10/250112 chromosomes in the general population by the Genome Aggregation Database (gnomAD). The available evidence is insufficient to determine the role of this variant in disease conclusively. Therefore, this variant is classified as a Variant of Uncertain Significance.

This study involves interpretation of variants in research participants for the purpose of population health screening. Participant phenotype was not available at the time of variant classification. Additional details can be found in publication PMID: 35346344, PMCID: PMC8962531